The following is an entry in ClinVar:

ClinVar aggregate classification (germline): Uncertain significance (1 of 4 stars; one submission).

Conditions:
Inborn genetic diseases. Identifiers: MedGen C0950123, MeSH D030342.

Submission:

Ambry Genetics
Classification: Uncertain significance for Inborn genetic diseases. Last evaluated: 2021-06-21. Review status: criteria provided, single submitter. Criteria: Ambry Variant Classification Scheme 2023. Collection method: clinical testing. Allele origin: germline.
Comment: The p.E423K variant (also known as c.1267G>A), located in coding exon 10 of the EPAS1 gene, results from a G to A substitution at nucleotide position 1267. The glutamic acid at codon 423 is replaced by lysine, an amino acid with similar properties. This amino acid position is conserved. In addition, this alteration is predicted to be tolerated by in silico analysis. Since supporting evidence is limited at this time, the clinical significance of this alteration remains unclear.

NM_001430.5(EPAS1):c.1267G>A (p.Glu423Lys)

Gene: EPAS1 (endothelial PAS domain protein 1; plus strand). Cytogenetic location: 2p21.
Variant type: single nucleotide variant.
Coding change: c.1267G>A on transcript NM_001430.5 (MANE Select); coding-DNA position 1267, G replaced by A.
Protein change: p.Glu423Lys; replaces glutamic acid 423 with lysine.
Molecular consequence: missense variant.
Genome position (GRCh38, 1-based): chr2:46,377,911, G>A. VCF-style: chr2-46377911-G-A. GRCh37 (hg19) VCF-style: chr2-46605050-G-A.
Other names: short protein forms E423K.
Identifiers: ClinVar variation 1764464 (VCV001764464.2), dbSNP rs2546473360, ClinGen allele CA346703632.